The following is an entry in ClinVar:

ClinVar aggregate classification (germline): Uncertain significance. Review status: criteria provided, multiple submitters, no conflicts (2 of 4 stars). 3 submissions from 3 submitters: Uncertain significance (3). Last evaluated 2023-04-24.

Conditions:
Peroxisome biogenesis disorder, complementation group K (CGK). Identifiers: MedGen C1866257, MONDO:0800365.

Allele frequency attached by ClinVar (database versions not stated): TOPMed 0.00003.
gnomAD v4.1: 19 of 1,613,632 alleles (0.0012%); highest among the groups gnomAD compares: Admixed American, 0.013%; no homozygotes.

Submissions (3):

Blueprint Genetics
Classification: Uncertain significance. Last evaluated: 2023-04-24. Review status: criteria provided, single submitter. Criteria: ACMG Guidelines, 2015. Collection method: clinical testing. Allele origin: germline.

Labcorp Genetics (formerly Invitae), Labcorp
Classification: Uncertain significance for Peroxisome biogenesis disorder, complementation group K. Last evaluated: 2022-06-04. Review status: criteria provided, single submitter. Criteria: Invitae Variant Classification Sherloc (09022015). Collection method: clinical testing. Allele origin: germline.
Comment: This sequence change replaces glutamic acid, which is acidic and polar, with lysine, which is basic and polar, at codon 26 of the PEX14 protein (p.Glu26Lys). This variant is present in population databases (rs748746721, gnomAD 0.01%). This variant has not been reported in the literature in individuals affected with PEX14-related conditions. Algorithms developed to predict the effect of missense changes on protein structure and function output the following: SIFT: "Tolerated"; PolyPhen-2: "Probably Damaging"; Align-GVGD: "Class C0". The lysine amino acid residue is found in multiple mammalian species, which suggests that this missense change does not adversely affect protein function. In summary, the available evidence is currently insufficient to determine the role of this variant in disease. Therefore, it has been classified as a Variant of Uncertain Significance.

Women's Health and Genetics/Laboratory Corporation of America, LabCorp
Classification: Uncertain significance. Last evaluated: 2022-05-03. Review status: criteria provided, single submitter. Criteria: LabCorp Variant Classification Summary - May 2015. Collection method: clinical testing. Allele origin: germline.

NM_004565.3(PEX14):c.76G>A (p.Glu26Lys)

Gene: PEX14 (peroxisomal biogenesis factor 14; plus strand). Cytogenetic location: 1p36.22.
Variant type: single nucleotide variant.
Coding change: c.76G>A on transcript NM_004565.3 (MANE Select); coding-DNA position 76, G replaced by A.
Protein change: p.Glu26Lys; replaces glutamic acid 26 with lysine.
Molecular consequence: missense variant.
Genome position (GRCh38, 1-based): chr1:10,495,313, G>A. VCF-style: chr1-10495313-G-A. GRCh37 (hg19) VCF-style: chr1-10555370-G-A.
Other names: short protein forms E26K.
Identifiers: ClinVar variation 1696253 (VCV001696253.4), dbSNP rs748746721, ClinGen allele CA583686.
Genomic context (GRCh38, chr1:10,495,313, plus strand): 5'-TGTTTCCATTTTTCTCTGCAGCCAAGCTCTACTCCAGGAAGTGAAAATGTGCTGCCTCGA[G>A]AGCCGCTGGTAAGTACCCAAGATATGTGGTATCACTTTCTAGTAATTAAAATGCCACGCG-3'
Protein context (NP_004556.1, residues 16-36): TPGSENVLPR[Glu26Lys]PLIATAVKFL